The following is an entry in ClinVar:

NM_138694.4(PKHD1):c.9295T>C (p.Ser3099Pro)

Gene: PKHD1 (PKHD1 ciliary IPT domain containing fibrocystin/polyductin; minus strand). Cytogenetic location: 6p12.3.
Variant type: single nucleotide variant.
Coding change: c.9295T>C on transcript NM_138694.4 (MANE Select); coding-DNA position 9295, T replaced by C.
Protein change: p.Ser3099Pro; replaces serine 3099 with proline.
Molecular consequence: missense variant.
Genome position (GRCh38, 1-based): chr6:51,748,321, A>G on the plus strand (T>C on the coding strand, the complement: PKHD1 is on the minus strand). VCF-style: chr6-51748321-A-G. GRCh37 (hg19) VCF-style: chr6-51613119-A-G.
Other names: c.9295T>C, p.Ser3099Pro (NM_170724.3); short protein forms S3099P.
Identifiers: ClinVar variation 3635287 (VCV003635287.2).

ClinVar aggregate classification (germline): Uncertain significance (1 of 4 stars; one submission).

Conditions:
Autosomal recessive polycystic kidney disease (ARPKD). Also called: AR polycystic kidney disease. Identifiers: Orphanet 731, Orphanet 8378, MedGen C0085548, MeSH D017044, MONDO:0009889.

gnomAD v4.1: 1 of 1,614,028 alleles (0.000062%); highest among the groups gnomAD compares: Non-Finnish European, 0.000085%; no homozygotes.

Submission:

Labcorp Genetics (formerly Invitae), Labcorp
Classification: Uncertain significance for Autosomal recessive polycystic kidney disease. Last evaluated: 2024-11-12. Review status: criteria provided, single submitter. Criteria: Invitae Variant Classification Sherloc (09022015). Collection method: clinical testing. Allele origin: germline.
Comment: This sequence change replaces serine, which is neutral and polar, with proline, which is neutral and non-polar, at codon 3099 of the PKHD1 protein (p.Ser3099Pro). This variant is not present in population databases (gnomAD no frequency). This variant has not been reported in the literature in individuals affected with PKHD1-related conditions. Invitae Evidence Modeling of protein sequence and biophysical properties (such as structural, functional, and spatial information, amino acid conservation, physicochemical variation, residue mobility, and thermodynamic stability) indicates that this missense variant is expected to disrupt PKHD1 protein function with a positive predictive value of 95%. In summary, the available evidence is currently insufficient to determine the role of this variant in disease. Therefore, it has been classified as a Variant of Uncertain Significance.